The following is an entry in ClinVar:

NM_001378609.3(OTOGL):c.2468A>T (p.Gln823Leu)

Gene: OTOGL (otogelin like; plus strand). Cytogenetic location: 12q21.31.
Variant type: single nucleotide variant.
Coding change: c.2468A>T on transcript NM_001378609.3 (MANE Select); coding-DNA position 2468, A replaced by T.
Protein change: p.Gln823Leu; replaces glutamine 823 with leucine.
Molecular consequence: missense variant.
Genome position (GRCh38, 1-based): chr12:80,270,104, A>T. VCF-style: chr12-80270104-A-T. GRCh37 (hg19) VCF-style: chr12-80663884-A-T.
Other names: c.2468A>T, p.Gln823Leu (NM_001368062.3, NM_001378610.3, NM_173591.7); short protein forms Q823L.
Identifiers: ClinVar variation 2429502 (VCV002429502.2), dbSNP rs1217130113, ClinGen allele CA385857081.

ClinVar aggregate classification (germline): Uncertain significance. Review status: criteria provided, multiple submitters, no conflicts (2 of 4 stars). 2 submissions from 2 submitters: Uncertain significance (2). Last evaluated 2025-09-01.

Conditions:
Inborn genetic diseases. Identifiers: MedGen C0950123, MeSH D030342.

Allele frequency attached by ClinVar (database versions not stated): gnomAD 0.00001.
gnomAD v4.1: 17 of 1,597,756 alleles (0.0011%); highest among the groups gnomAD compares: Non-Finnish European, 0.0015%; no homozygotes.

Submissions (2):

Ambry Genetics
Classification: Uncertain significance for Inborn genetic diseases. Last evaluated: 2025-09-01. Review status: criteria provided, single submitter. Criteria: Ambry Variant Classification Scheme 2023. Collection method: clinical testing. Allele origin: germline.

GeneDx
Classification: Uncertain significance. Last evaluated: 2022-08-08. Review status: criteria provided, single submitter. Criteria: GeneDx Variant Classification Process June 2021. Collection method: clinical testing. Allele origin: germline. Affected: yes.
Comment: Not observed at significant frequency in large population cohorts (gnomAD); In silico analysis supports that this missense variant has a deleterious effect on protein structure/function; Has not been previously published as pathogenic or benign to our knowledge